The following is an entry in ClinVar:

NM_002202.3(ISL1):c.159C>T (p.Asp53=)

Gene: ISL1 (ISL LIM homeobox 1; plus strand). Cytogenetic location: 5q11.1.
Variant type: single nucleotide variant.
Coding change: c.159C>T on transcript NM_002202.3 (MANE Select); coding-DNA position 159, C replaced by T.
Protein change: p.Asp53=; no amino-acid change (aspartic acid 53 retained).
Molecular consequence: synonymous variant.
Genome position (GRCh38, 1-based): chr5:51,384,671, C>T. VCF-style: chr5-51384671-C-T. GRCh37 (hg19) VCF-style: chr5-50680505-C-T.
Identifiers: ClinVar variation 3357692 (VCV003357692.1).

ClinVar aggregate classification (germline): Likely benign (0 of 4 stars; one submission).

Conditions:
ISL1-related disorder. Also called: ISL1-related condition.

Submission:

PreventionGenetics, part of Exact Sciences
Classification: Likely benign for ISL1-related condition. Last evaluated: 2021-07-13. Review status: no assertion criteria provided. Collection method: clinical testing. Allele origin: germline.
Comment: This variant is classified as likely benign based on ACMG/AMP sequence variant interpretation guidelines (Richards et al. 2015 PMID: 25741868, with internal and published modifications).